The following is an entry in ClinVar:

NM_021956.5(GRIK2):c.2102C>T (p.Thr701Met)

Gene: GRIK2 (glutamate ionotropic receptor kainate type subunit 2; plus strand). Cytogenetic location: 6q16.3.
Variant type: single nucleotide variant.
Coding change: c.2102C>T on transcript NM_021956.5 (MANE Select); coding-DNA position 2102, C replaced by T.
Protein change: p.Thr701Met; replaces threonine 701 with methionine.
Molecular consequence: missense variant.
Genome position (GRCh38, 1-based): chr6:102,035,357, C>T. VCF-style: chr6-102035357-C-T. GRCh37 (hg19) VCF-style: chr6-102483232-C-T.
Other names: c.2102C>T, p.Thr701Met (NM_001166247.1, NM_175768.3); short protein forms T701M.
Identifiers: ClinVar variation 3731398 (VCV003731398.1).

ClinVar aggregate classification (germline): Uncertain significance (1 of 4 stars; one submission).

Conditions:
Neurodevelopmental disorder with impaired language and ataxia and with or without seizures. Identifiers: MedGen C5562006, MONDO:0859201, OMIM 619580.

gnomAD v4.1: 14 of 1,597,594 alleles (0.00088%); highest among the groups gnomAD compares: African/African-American, 0.004%; no homozygotes.

Submission:

Neuberg Centre For Genomic Medicine, NCGM
Classification: Uncertain significance for Neurodevelopmental disorder with impaired language and ataxia and with or without seizures. Review status: criteria provided, single submitter. Criteria: ACMG Guidelines, 2015. Collection method: clinical testing. Allele origin: germline. Inheritance: Autosomal dominant inheritance. Affected: yes.
Comment: The missense c.2102C>T (p.Thr701Met) variant in GRIK2 gene has not been reported previously as a pathogenic variant nor as a benign variant, to our knowledge. The p.Thr701Met variant is present with allele frequency of 0.001% in gnomAD Exomes. This variant has not been submitted to the ClinVar database. Multiple lines of computational evidence (Polyphen - Probably Damaging, SIFT - Damaging and MutationTaster - Disease causing) predict a damaging effect on protein structure and function for this variant. The reference amino acid at this position on GRIK2 is predicted as conserved by GERP++ and PhyloP across 100 vertebrates. The amino acid Thr at position 701 is changed to a Met changing protein sequence and it might alter its composition and physico-chemical properties. For these reasons, this variant has been classified as a Variant of Uncertain Significance (VUS).